The following is an entry in ClinVar:

ClinVar aggregate classification (germline): Uncertain significance. Review status: criteria provided, multiple submitters, no conflicts (2 of 4 stars). 4 submissions from 4 submitters: Uncertain significance (4). Last evaluated 2026-03-27.

Conditions:
Cardiovascular phenotype. Identifiers: MedGen CN230736.

gnomAD v4.1: 3 of 1,608,408 alleles (0.00019%); highest among the groups gnomAD compares: Non-Finnish European, 0.00026%; no homozygotes.

Submissions (4):

Molecular Diagnostic Laboratory for Inherited Cardiovascular Disease, Montreal Heart Institute
Classification: Uncertain significance for Cardiovascular phenotype. Last evaluated: 2026-03-27. Review status: criteria provided, single submitter. Criteria: ACMG Guidelines, 2015. Collection method: clinical testing. Allele origin: germline. Affected: yes.
Comment: PVS1_mod, PM2, BP5

Labcorp Genetics (formerly Invitae), Labcorp
Classification: Uncertain significance. Last evaluated: 2026-01-09. Review status: criteria provided, single submitter. Criteria: Invitae Variant Classification Sherloc (09022015). Collection method: clinical testing. Allele origin: germline.
Comment: This sequence change creates a premature translational stop signal (p.Tyr1794*) in the ALPK3 gene. While this is not anticipated to result in nonsense mediated decay, it is expected to disrupt the last 114 amino acid(s) of the ALPK3 protein. This variant is not present in population databases (gnomAD no frequency). This premature translational stop signal has been observed in individual(s) with hypertrophic cardiomyopathy (PMID: 38356193). This variant is also known as p.Tyr1592*. ClinVar contains an entry for this variant (Variation ID: 2822233). Experimental studies and prediction algorithms are not available or were not evaluated, and the functional significance of this variant is currently unknown. In summary, the available evidence is currently insufficient to determine the role of this variant in disease. Therefore, it has been classified as a Variant of Uncertain Significance.

Ambry Genetics
Classification: Uncertain significance for Cardiovascular phenotype. Last evaluated: 2025-10-21. Review status: criteria provided, single submitter. Criteria: Ambry Variant Classification Scheme 2023. Collection method: clinical testing. Allele origin: germline.
Comment: The c.5382C>G (p.Y1794*) alteration, located in exon 14 (coding exon 14) of the ALPK3 gene, consists of a C to G substitution at nucleotide position 5382. This changes the amino acid from a tyrosine (Y) to a stop codon at amino acid position 1794. This variant is not expected to trigger nonsense-mediated mRNA decay and impacts the last 5.9% of the protein. The exact functional effect of this alteration is unknown. This variant was not reported in population-based cohorts in the Genome Aggregation Database (gnomAD). This variant has been identified in the homozygous state and/or in conjunction with other ALPK3 variant(s) in individual(s) with hypertrophic cardiomyopathy (Ader, 2024). Note, this variant is also referred to as c.4776C>G (p.Y1592*) in the literature. Based on insufficient or conflicting evidence, the clinical significance of this alteration remains unclear.

Blueprint Genetics
Classification: Uncertain significance. Last evaluated: 2024-05-10. Review status: criteria provided, single submitter. Criteria: ACMG Guidelines, 2015. Collection method: clinical testing. Allele origin: germline.

Literature cited by the submitters: PubMed 38356193 (cited by Labcorp Genetics (formerly Invitae), Labcorp and Ambry Genetics).

NM_020778.5(ALPK3):c.4776C>G (p.Tyr1592Ter)

Gene: ALPK3 (alpha kinase 3; plus strand). Cytogenetic location: 15q25.3.
Variant type: single nucleotide variant.
Coding change: c.4776C>G on transcript NM_020778.5 (MANE Select); coding-DNA position 4776, C replaced by G.
Protein change: p.Tyr1592Ter; replaces tyrosine 1592 with a stop codon.
Molecular consequence: nonsense.
Genome position (GRCh38, 1-based): chr15:84,868,114, C>G. VCF-style: chr15-84868114-C-G. GRCh37 (hg19) VCF-style: chr15-85411345-C-G.
Other names: c.5382C>G (NM_020778.4); short protein forms Y1592*.
Identifiers: ClinVar variation 2822233 (VCV002822233.6), dbSNP rs1028177957, ClinGen allele CA393365526.
Genomic context (GRCh38, chr15:84,868,114, plus strand): 5'-CCAAGGAACTGTGTCTCTGGTTGGGACCCCCACTCAGCTCTTCCTGTCTGGCTGCAGATA[C>G]CAGGGCCTCAAGGAAAGCTGCTTCCCTGCCCTGCTGGACCGGTTCGCCTCCTCCCACCAG-3'